The following is an entry in ClinVar:

ClinVar aggregate classification (germline): Conflicting classifications of pathogenicity. Review status: criteria provided, conflicting classifications (1 of 4 stars). 4 submissions from 4 submitters: Pathogenic (1); Uncertain significance (2). 1 of the submissions does not count toward it. Last evaluated 2024-05-06.

Conditions:
Sideroblastic anemia 2. Also called: Anemia, sideroblastic, 2, pyridoxine-refractory. Identifiers: Orphanet 260305, MedGen C4225425, MONDO:0008785, OMIM 205950.

Allele frequency attached by ClinVar (database versions not stated): gnomAD exomes below 0.00001; ExAC 0.00001; gnomAD 0.00001; TOPMed 0.00004.
gnomAD v4.1: 8 of 1,613,798 alleles (0.0005%); highest among the groups gnomAD compares: African/African-American, 0.004%; no homozygotes.

Submissions (4):

Labcorp Genetics (formerly Invitae), Labcorp
Classification: Uncertain significance. Last evaluated: 2024-05-06. Review status: criteria provided, single submitter. Criteria: Invitae Variant Classification Sherloc (09022015). Collection method: clinical testing. Allele origin: germline.
Comment: This sequence change replaces glycine, which is neutral and non-polar, with valine, which is neutral and non-polar, at codon 228 of the SLC25A38 protein (p.Gly228Val). This variant is present in population databases (rs755205622, gnomAD 0.007%). This missense change has been observed in individuals with congenital sideroblastic anemia (PMID: 29499877). ClinVar contains an entry for this variant (Variation ID: 1172495). Advanced modeling of protein sequence and biophysical properties (such as structural, functional, and spatial information, amino acid conservation, physicochemical variation, residue mobility, and thermodynamic stability) performed at Invitae indicates that this missense variant is expected to disrupt SLC25A38 protein function with a positive predictive value of 80%. In summary, the available evidence is currently insufficient to determine the role of this variant in disease. Therefore, it has been classified as a Variant of Uncertain Significance.

Mark Fleming Laboratory, Boston Children's Hospital
Classification: Pathogenic for Sideroblastic anemia 2. Last evaluated: 2021-06-01. Review status: criteria provided, single submitter. Criteria: ACMG Guidelines, 2015. Collection method: research. Allele origin: germline. Affected: yes.

GeneDx
Classification: Uncertain significance. Last evaluated: 2019-04-09. Review status: criteria provided, single submitter. Criteria: GeneDx Variant Classification Process June 2021. Collection method: clinical testing. Allele origin: germline. Affected: yes.
Comment: Not observed at a significant frequency in large population cohorts (Lek et al., 2016); In silico analysis, which includes protein predictors and evolutionary conservation, supports a deleterious effect; This variant is associated with the following publications: (PMID: 29499877, 21393332)

Dr.Nikuei Genetic Center
Classification: Pathogenic for Sideroblastic anemia 2. Review status: no assertion criteria provided. Collection method: clinical testing. Allele origin: germline. Inheritance: Autosomal recessive inheritance. Affected: yes. Not counted in ClinVar's aggregate classification.

Literature cited by the submitters: PubMed 29499877 (cited by Labcorp Genetics (formerly Invitae), Labcorp and Mark Fleming Laboratory, Boston Children's Hospital); PubMed 21393332 (cited by Mark Fleming Laboratory, Boston Children's Hospital).

NM_017875.4(SLC25A38):c.683G>T (p.Gly228Val)

Gene: SLC25A38 (solute carrier family 25 member 38; plus strand). Cytogenetic location: 3p22.1.
Variant type: single nucleotide variant.
Coding change: c.683G>T on transcript NM_017875.4 (MANE Select); coding-DNA position 683, G replaced by T.
Protein change: p.Gly228Val; replaces glycine 228 with valine.
Molecular consequence: missense variant. On other transcripts: intron variant (1).
Genome position (GRCh38, 1-based): chr3:39,394,467, G>T. VCF-style: chr3-39394467-G-T. GRCh37 (hg19) VCF-style: chr3-39435958-G-T.
Other names: c.626-1931G>T (NM_001354798.2); short protein forms G228V.
Identifiers: ClinVar variation 1172495 (VCV001172495.9), dbSNP rs755205622, ClinGen allele CA2327532.